The following is an entry in ClinVar:

ClinVar aggregate classification (germline): Uncertain significance (1 of 4 stars; one submission).

Conditions:
Charcot-Marie-Tooth disease type 4. Also called: Charcot-Marie-Tooth disease, type IV; Charcot-Marie-Tooth, Type 4. Identifiers: Orphanet 64749, MedGen C4082197, MONDO:0018995.

Submission:

Labcorp Genetics (formerly Invitae), Labcorp
Classification: Uncertain significance for Charcot-Marie-Tooth disease type 4. Last evaluated: 2020-11-22. Review status: criteria provided, single submitter. Criteria: Invitae Variant Classification Sherloc (09022015). Collection method: clinical testing. Allele origin: germline.
Comment: In summary, the available evidence is currently insufficient to determine the role of this variant in disease. Therefore, it has been classified as a Variant of Uncertain Significance. Algorithms developed to predict the effect of missense changes on protein structure and function are either unavailable or do not agree on the potential impact of this missense change (SIFT: "Tolerated"; PolyPhen-2: "Possibly Damaging"; Align-GVGD: "Class C0"). This variant has not been reported in the literature in individuals with SBF2-related conditions. This variant is not present in population databases (ExAC no frequency). This sequence change replaces serine with cysteine at codon 1127 of the SBF2 protein (p.Ser1127Cys). The serine residue is highly conserved and there is a moderate physicochemical difference between serine and cysteine.

NM_030962.4(SBF2):c.3379A>T (p.Ser1127Cys)

Genes: SBF2 (SET binding factor 2; minus strand), LOC101928008 (uncharacterized LOC101928008; plus strand). Cytogenetic location: 11p15.4.
Variant type: single nucleotide variant.
Coding change: c.3379A>T on transcript NM_030962.4 (MANE Select); coding-DNA position 3379, A replaced by T.
Protein change: p.Ser1127Cys; replaces serine 1127 with cysteine.
Molecular consequence: missense variant.
Genome position (GRCh38, 1-based): chr11:9,839,574, T>A on the plus strand (A>T on the coding strand, the complement: SBF2 is on the minus strand). VCF-style: chr11-9839574-T-A. GRCh37 (hg19) VCF-style: chr11-9861121-T-A.
Other names: c.3379A>T, p.Ser1127Cys (NM_001386339.1); c.3250A>T, p.Ser1084Cys (NM_001386342.1); short protein forms S1127C, S1084C.
Identifiers: ClinVar variation 1425090 (VCV001425090.8), dbSNP rs1167884517, ClinGen allele CA379628564.
Genomic context (GRCh38, chr11:9,839,574, plus strand): 5'-ACATCCTGTTGGAGGCAGTAATTCTAAAATACTCGGGTCTTGAACGGGAAGAGCTGCCAC[T>A]TATGGTTCCTAAACCTAAACGCTGATAGTCTCTGAAACAAGCTTTTTCCACCAACTGTTC-3'
Protein context (NP_112224.1, residues 1117-1137): DYQRLGLGTI[Ser1127Cys]GSSSRSRPEY